The following is an entry in ClinVar:

ClinVar aggregate classification (germline): Pathogenic (1 of 4 stars; one submission).

Conditions:
Pitt-Hopkins syndrome (PTHS). Also called: ENCEPHALOPATHY, SEVERE EPILEPTIC, WITH AUTONOMIC DYSFUNCTION; MENTAL RETARDATION, SYNDROMAL, WITH INTERMITTENT HYPERVENTILATION. Identifiers: Orphanet 2896, MedGen C1970431, MONDO:0012589, OMIM 610954.

Submission:

Labcorp Genetics (formerly Invitae), Labcorp
Classification: Pathogenic for Pitt-Hopkins syndrome. Last evaluated: 2020-07-31. Review status: criteria provided, single submitter. Criteria: Invitae Variant Classification Sherloc (09022015). Collection method: clinical testing. Allele origin: germline.
Comment: For these reasons, this variant has been classified as Pathogenic. This sequence change creates a premature translational stop signal (p.Ser443*) in the TCF4 gene. It is expected to result in an absent or disrupted protein product. Loss-of-function variants in TCF4 are known to be pathogenic (PMID: 18728071, 22045651). This variant is not present in population databases (ExAC no frequency). This variant has been observed in individuals with Pitt–Hopkins syndrome (PTHS) (PMID: 22045651, Invitae).

Literature cited by the submitters: PubMed 18728071; PubMed 22045651.

NM_001083962.2(TCF4):c.1328C>G (p.Ser443Ter)

Gene: TCF4 (transcription factor 4; minus strand). Cytogenetic location: 18q21.2.
Variant type: single nucleotide variant.
Coding change: c.1328C>G on transcript NM_001083962.2 (MANE Select); coding-DNA position 1328, C replaced by G.
Protein change: p.Ser443Ter; replaces serine 443 with a stop codon.
Molecular consequence: nonsense.
Genome position (GRCh38, 1-based): chr18:55,254,519, G>C on the plus strand (C>G on the coding strand, the complement: TCF4 is on the minus strand). VCF-style: chr18-55254519-G-C. GRCh37 (hg19) VCF-style: chr18-52921750-G-C.
Other names: c.1634C>G, p.Ser545Ter (NM_001243226.3); c.1256C>G, p.Ser419Ter (NM_001243227.2, NM_001306207.1, NM_001348217.1 and 5 more transcripts); c.1346C>G, p.Ser449Ter (NM_001243228.2); c.1319C>G, p.Ser440Ter (NM_001243230.2); c.1202C>G, p.Ser401Ter (NM_001243231.2, NM_001348211.2); c.1115C>G, p.Ser372Ter (NM_001243232.1, NM_001306208.1); c.938C>G, p.Ser313Ter (NM_001243233.2, NM_001330605.3, NM_001348212.2 and 1 more transcripts); c.848C>G, p.Ser283Ter (NM_001243234.2, NM_001243235.2, NM_001243236.2 and 1 more transcripts); and 6 more; short protein forms S282*, S313*, S545*, S418*, S443*, S283*, S372*, S401*.
Identifiers: ClinVar variation 661273 (VCV000661273.8), dbSNP rs1600285757, ClinGen allele CA402533266.
Genomic context (GRCh38, chr18:55,254,519, plus strand): 5'-ATATGATAACTATAGAGTCTATAAATTTCATCACTTACCATGAGTGAATGTCTGTTGGCT[G>C]AAAGAAGGCCGGTTCCATACCCTGAGCCCAGACCACCCATGGCTCCATTATGAGAAGGTC-3'